The following is an entry in ClinVar:

NM_004036.5(ADCY3):c.2971G>A (p.Val991Ile)

Gene: ADCY3 (adenylate cyclase 3; minus strand). Cytogenetic location: 2p23.3.
Variant type: single nucleotide variant.
Coding change: c.2971G>A on transcript NM_004036.5 (MANE Select); coding-DNA position 2971, G replaced by A.
Protein change: p.Val991Ile; replaces valine 991 with isoleucine.
Molecular consequence: missense variant.
Genome position (GRCh38, 1-based): chr2:24,822,543, C>T on the plus strand (G>A on the coding strand, the complement: ADCY3 is on the minus strand). VCF-style: chr2-24822543-C-T. GRCh37 (hg19) VCF-style: chr2-25045412-C-T.
Other names: c.2974G>A, p.Val992Ile (NM_001320613.2); c.3037G>A, p.Val1013Ile (NM_001377128.1); c.2833G>A, p.Val945Ile (NM_001377129.1); c.2419G>A, p.Val807Ile (NM_001377130.1); c.2248G>A, p.Val750Ile (NM_001377131.1); c.2971G>A, p.Val991Ile (NM_001377132.1); short protein forms V1013I, V750I, V807I, V945I, V991I, V992I.
Identifiers: ClinVar variation 3349690 (VCV003349690.1).

ClinVar aggregate classification (germline): Uncertain significance (0 of 4 stars; one submission).

Conditions:
ADCY3-related disorder. Also called: ADCY3-related condition.

gnomAD v4.1: 3 of 1,613,726 alleles (0.00019%); highest among the groups gnomAD compares: Non-Finnish European, 0.00025%; no homozygotes.

Submission:

PreventionGenetics, part of Exact Sciences
Classification: Uncertain significance for ADCY3-related condition. Last evaluated: 2023-12-19. Review status: no assertion criteria provided. Collection method: clinical testing. Allele origin: germline.
Comment: The ADCY3 c.2974G>A variant is predicted to result in the amino acid substitution p.Val992Ile. To our knowledge, this variant has not been reported in the literature or in a large population database, indicating this variant is rare. At this time, the clinical significance of this variant is uncertain due to the absence of conclusive functional and genetic evidence.